The following is an entry in ClinVar:

NM_014845.6(FIG4):c.2582A>G (p.Tyr861Cys)

Gene: FIG4 (FIG4 phosphoinositide 5-phosphatase; plus strand). Cytogenetic location: 6q21.
Variant type: single nucleotide variant.
Coding change: c.2582A>G on transcript NM_014845.6 (MANE Select); coding-DNA position 2582, A replaced by G.
Protein change: p.Tyr861Cys; replaces tyrosine 861 with cysteine.
Molecular consequence: missense variant.
Genome position (GRCh38, 1-based): chr6:109,825,123, A>G. VCF-style: chr6-109825123-A-G. GRCh37 (hg19) VCF-style: chr6-110146326-A-G.
Other names: short protein forms Y861C.
Identifiers: ClinVar variation 1359903 (VCV001359903.3), dbSNP rs2128402659, ClinGen allele CA365224791.
Genomic context (GRCh38, chr6:109,825,123, plus strand): 5'-CCCTCTCTTTATTCATCTTTTATAGAACACCCATCTCGGCTTTCTCGCAAGATAACATCT[A>G]TGAAGTTCAGCCCCCAAGAGTAGACAGAAAATCTACAGAGATCTTCCAAGCCCACATCCA-3'
Protein context (NP_055660.1, residues 851-871): PISAFSQDNI[Tyr861Cys]EVQPPRVDRK

ClinVar aggregate classification (germline): Uncertain significance (1 of 4 stars; one submission).

Conditions:
Charcot-Marie-Tooth disease type 4. Also called: Charcot-Marie-Tooth disease, type IV; Charcot-Marie-Tooth, Type 4. Identifiers: Orphanet 64749, MedGen C4082197, MONDO:0018995.

Allele frequency attached by ClinVar (database versions not stated): gnomAD exomes below 0.00001.
gnomAD v4.1: 1 of 1,614,094 alleles (0.000062%); highest among the groups gnomAD compares: Non-Finnish European, 0.000085%; no homozygotes.

Submission:

Labcorp Genetics (formerly Invitae), Labcorp
Classification: Uncertain significance for Charcot-Marie-Tooth disease type 4. Last evaluated: 2021-08-19. Review status: criteria provided, single submitter. Criteria: Invitae Variant Classification Sherloc (09022015). Collection method: clinical testing. Allele origin: germline.
Comment: This sequence change replaces tyrosine with cysteine at codon 861 of the FIG4 protein (p.Tyr861Cys). The tyrosine residue is highly conserved and there is a large physicochemical difference between tyrosine and cysteine. This variant is not present in population databases (ExAC no frequency). This variant has not been reported in the literature in individuals affected with FIG4-related conditions. Algorithms developed to predict the effect of missense changes on protein structure and function (SIFT, PolyPhen-2, Align-GVGD) all suggest that this variant is likely to be disruptive. In summary, the available evidence is currently insufficient to determine the role of this variant in disease. Therefore, it has been classified as a Variant of Uncertain Significance.